The following is an entry in ClinVar:

NM_000329.3(RPE65):c.94+10G>A

Gene: RPE65 (retinoid isomerohydrolase RPE65; minus strand). Cytogenetic location: 1p31.3.
Variant type: single nucleotide variant.
Coding change: c.94+10G>A on transcript NM_000329.3 (MANE Select); 10 bases into the intron after coding-DNA position 94, G replaced by A.
Molecular consequence: intron variant.
Genome position (GRCh38, 1-based): chr1:68,448,614, C>T on the plus strand (G>A on the coding strand, the complement: RPE65 is on the minus strand). VCF-style: chr1-68448614-C-T. GRCh37 (hg19) VCF-style: chr1-68914297-C-T.
Identifiers: ClinVar variation 593882 (VCV000593882.17), dbSNP rs777879312, ClinGen allele CA902618.

ClinVar aggregate classification (germline): Likely benign. Review status: reviewed by expert panel (3 of 4 stars). 5 submissions from 5 submitters: Likely benign (1). 4 of the submissions do not count toward it. Last evaluated 2025-06-30.

Conditions:
RPE65-related recessive retinopathy. Also called: Recessive RPE65 retinopathy. Identifiers: MedGen CN305526, MONDO:0100368.
Retinitis pigmentosa 20 (RP20). Identifiers: Orphanet 791, MedGen C3151086, MONDO:0013425, OMIM 613794.
Leber congenital amaurosis 2 (LCA2). Also called: Autosomal Recessive RPE65-Related Retinal Degeneration; AMAUROSIS CONGENITA OF LEBER II. Identifiers: Orphanet 65, MedGen C1859844, MONDO:0008765, OMIM 204100. Disease mechanism: loss of function.
Leber congenital amaurosis (LCA). Also called: Leber's amaurosis. Identifiers: Orphanet 65, MedGen C0339527, MeSH D057130, MONDO:0018998.

Allele frequency attached by ClinVar (database versions not stated): TOPMed 0.00002; ExAC 0.00003; gnomAD 0.00003 and 0.00004.
gnomAD v4.1: 50 of 1,613,248 alleles (0.0031%); highest among the groups gnomAD compares: South Asian, 0.0066%; no homozygotes.

Submissions (5):

ClinGen Leber Congenital Amaurosis/early Onset Retinal Dystrophy Variant Curation Expert Panel, ClinGen
Classification: Likely benign for RPE65-related recessive retinopathy. Last evaluated: 2025-06-30. Review status: reviewed by expert panel. Criteria: ClinGen LCAeoRD ACMG Specifications RPE65 V1.0.0. Collection method: curation. Allele origin: germline. Inheritance: Autosomal recessive inheritance.
Comment: The NM_000329.3(RPE65):c.94+10G>A variant is a noncanonical splice variant in RPE65. The splicing impact predictor SpliceAI gives a delta score of 0.01, which is below the ClinGen LCA / eoRD VCEP recommended threshold of <0.1 and does not predict an impact on splicing (BP4). This intronic variant at position c.94+10 is located outside of the donor/acceptor +/-1,2 dinucleotide positions and so also meets BP7 (BP7). This variant is present in gnomAD v.4.1.0 at a GrpMax allele frequency of 0.00006, with 6/90966 alleles in the South Asian population, which is lower than the ClinGen LCA / eoRD VCEP PM2_Supporting threshold of <0.0002. This rule was not applied because the variant meets criteria for a benign classification and the rarity of the variant should not outweigh other types of benign evidence. In summary, this variant meets the criteria to be classified as Likely Benign for RPE65-related recessive retinopathy based on the ACMG/AMP criteria applied, as specified by the ClinGen LCA / eoRD VCEP: BP4, BP7 (VCEP specifications version 1.0.0; date of approval 09/21/2023).

Labcorp Genetics (formerly Invitae), Labcorp
Classification: Likely benign for Leber congenital amaurosis 2; Retinitis pigmentosa 20. Last evaluated: 2025-06-25. Review status: criteria provided, single submitter. Criteria: Invitae Variant Classification Sherloc (09022015). Collection method: clinical testing. Allele origin: germline. Not counted in ClinVar's aggregate classification.

Blueprint Genetics
Classification: Likely benign. Last evaluated: 2019-11-08. Review status: criteria provided, single submitter. Criteria: ACMG Guidelines, 2015. Collection method: clinical testing. Allele origin: germline. Not counted in ClinVar's aggregate classification.

Eurofins Ntd Llc (ga)
Classification: Uncertain significance. Last evaluated: 2017-09-07. Review status: criteria provided, single submitter. Criteria: EGL Classification Definitions 2015. Collection method: clinical testing. Allele origin: germline. Observed: 1 variant allele, 1 heterozygote. Not counted in ClinVar's aggregate classification.

Natera, Inc.
Classification: Likely benign for Leber congenital amaurosis. Last evaluated: 2020-08-18. Review status: no assertion criteria provided. Collection method: clinical testing. Allele origin: germline. Not counted in ClinVar's aggregate classification.